The following is an entry in ClinVar:

ClinVar aggregate classification (germline): Uncertain significance. Review status: criteria provided, multiple submitters, no conflicts (2 of 4 stars). 2 submissions from 2 submitters: Uncertain significance (2). Last evaluated 2024-07-02.

Conditions:
Epileptic encephalopathy. Identifiers: MedGen C0543888, HP:0200134.

Allele frequency attached by ClinVar (database versions not stated): gnomAD exomes 0.00001 and 0.00004; ExAC 0.00002; TOPMed 0.00004; gnomAD 0.00005 and 0.00006.
gnomAD v4.1: 32 of 1,612,614 alleles (0.002%); highest among the groups gnomAD compares: African/African-American, 0.0067%; 1 homozygote.

Submissions (2):

Ambry Genetics
Classification: Uncertain significance. Last evaluated: 2024-07-02. Review status: criteria provided, single submitter. Criteria: Ambry Variant Classification Scheme 2023. Collection method: clinical testing. Allele origin: germline.

Labcorp Genetics (formerly Invitae), Labcorp
Classification: Uncertain significance for Epileptic encephalopathy. Last evaluated: 2024-06-09. Review status: criteria provided, single submitter. Criteria: Invitae Variant Classification Sherloc (09022015). Collection method: clinical testing. Allele origin: germline.
Comment: This sequence change replaces glycine, which is neutral and non-polar, with arginine, which is basic and polar, at codon 1919 of the FASN protein (p.Gly1919Arg). The frequency data for this variant in the population databases is considered unreliable, as metrics indicate poor data quality at this position in the gnomAD database. This variant has not been reported in the literature in individuals affected with FASN-related conditions. ClinVar contains an entry for this variant (Variation ID: 969812). An algorithm developed to predict the effect of missense changes on protein structure and function (PolyPhen-2) suggests that this variant is likely to be disruptive. In summary, the available evidence is currently insufficient to determine the role of this variant in disease. Therefore, it has been classified as a Variant of Uncertain Significance.

NM_004104.5(FASN):c.5755G>A (p.Gly1919Arg)

Gene: FASN (fatty acid synthase; minus strand). Cytogenetic location: 17q25.3.
Variant type: single nucleotide variant.
Coding change: c.5755G>A on transcript NM_004104.5 (MANE Select); coding-DNA position 5755, G replaced by A.
Protein change: p.Gly1919Arg; replaces glycine 1919 with arginine.
Molecular consequence: missense variant.
Genome position (GRCh38, 1-based): chr17:82,082,926, C>T on the plus strand (G>A on the coding strand, the complement: FASN is on the minus strand). VCF-style: chr17-82082926-C-T. GRCh37 (hg19) VCF-style: chr17-80040802-C-T.
Other names: short protein forms G1919R.
Identifiers: ClinVar variation 969812 (VCV000969812.10), dbSNP rs748930040, ClinGen allele CA8851576.